The following is an entry in ClinVar:

ClinVar aggregate classification (germline): Conflicting classifications of pathogenicity. Review status: criteria provided, conflicting classifications (1 of 4 stars). 6 submissions from 6 submitters: Uncertain significance (5); Likely benign (1). Last evaluated 2026-06-30.

Conditions:
X-linked myopathy with postural muscle atrophy. Also called: FHL1-Related Emery-Dreifuss Muscular Dystrophy, X-Linked. Identifiers: Orphanet 178461, MedGen C2678055, MONDO:0010401, OMIM 300696.
FHL1-related disorder. Also called: FHL1-related disorders; FHL1-related condition.
Cardiovascular phenotype. Identifiers: MedGen CN230736.
Uruguay Faciocardiomusculoskeletal syndrome. Identifiers: MedGen C1846010, MONDO:0010292, OMIM 300280.
X-linked scapuloperoneal muscular dystrophy. Also called: SCAPULOPERONEAL MYOPATHY, FHL1-RELATED. Identifiers: Orphanet 431272, MedGen C2678061, MONDO:0010400, OMIM 300695.
Myopathy, reducing body, X-linked, childhood-onset (RBMX1B). Also called: REDUCING BODY MYOPATHY, X-LINKED 1B, WITH LATE CHILDHOOD OR ADULT ONSET. Identifiers: Orphanet 97239, MedGen C4225159, MONDO:0010415, OMIM 300718.
Myopathy, reducing body, X-linked, early-onset, severe (RBMX1A). Also called: REDUCING BODY MYOPATHY, X-LINKED 1, SEVERE, WITH INFANTILE OR EARLY CHILDHOOD ONSET. Identifiers: Orphanet 97239, MedGen C4225423, MONDO:0010414, OMIM 300717.

Allele frequency attached by ClinVar (database versions not stated): TOPMed below 0.00001; gnomAD exomes 0.00018; ExAC 0.00034.
gnomAD v4.1: 62 of 1,211,374 alleles (0.0051%); highest among the groups gnomAD compares: South Asian, 0.016%; no homozygotes.

Submissions (6):

PreventionGenetics, part of Exact Sciences
Classification: Uncertain significance for FHL1-related condition. Last evaluated: 2026-06-30. Review status: criteria provided, single submitter. Criteria: ACMG Guidelines, 2015. Collection method: clinical testing. Allele origin: germline.
Comment: The FHL1 c.604G>A variant is predicted to result in the amino acid substitution p.Ala202Thr. To our knowledge, this variant has not been reported in the literature. This variant is reported in 0.035% of alleles in individuals of European (Non-Finnish) descent in gnomAD. Although we suspect that this variant may be benign, at this time, the clinical significance of this variant is uncertain due to the absence of conclusive functional and genetic evidence.

Blueprint Genetics
Classification: Likely benign. Last evaluated: 2024-03-04. Review status: criteria provided, single submitter. Criteria: ACMG Guidelines, 2015. Collection method: clinical testing. Allele origin: germline.

Ambry Genetics
Classification: Uncertain significance for Cardiovascular phenotype. Last evaluated: 2023-10-15. Review status: criteria provided, single submitter. Criteria: Ambry Variant Classification Scheme 2023. Collection method: clinical testing. Allele origin: germline.
Comment: The p.A202T variant (also known as c.604G>A), located in coding exon 4 of the FHL1 gene, results from a G to A substitution at nucleotide position 604. The alanine at codon 202 is replaced by threonine, an amino acid with similar properties. This amino acid position is conserved. In addition, this alteration is predicted to be tolerated by in silico analysis. Since supporting evidence is limited at this time, the clinical significance of this alteration remains unclear.

Revvity Omics, Revvity
Classification: Uncertain significance. Last evaluated: 2023-09-12. Review status: criteria provided, single submitter. Criteria: ACMG Guidelines, 2015. Collection method: clinical testing. Allele origin: germline.

Labcorp Genetics (formerly Invitae), Labcorp
Classification: Uncertain significance for X-linked myopathy with postural muscle atrophy. Last evaluated: 2022-07-13. Review status: criteria provided, single submitter. Criteria: Invitae Variant Classification Sherloc (09022015). Collection method: clinical testing. Allele origin: germline.
Comment: This sequence change replaces alanine, which is neutral and non-polar, with threonine, which is neutral and polar, at codon 202 of the FHL1 protein (p.Ala202Thr). This variant is present in population databases (rs752366165, gnomAD 0.03%), and has an allele count higher than expected for a pathogenic variant. This variant has not been reported in the literature in individuals affected with FHL1-related conditions. ClinVar contains an entry for this variant (Variation ID: 1430943). Algorithms developed to predict the effect of missense changes on protein structure and function (SIFT, PolyPhen-2, Align-GVGD) all suggest that this variant is likely to be tolerated. In summary, the available evidence is currently insufficient to determine the role of this variant in disease. Therefore, it has been classified as a Variant of Uncertain Significance.

Fulgent Genetics
Classification: Uncertain significance for Uruguay Faciocardiomusculoskeletal syndrome; X-linked scapuloperoneal muscular dystrophy; X-linked myopathy with postural muscle atrophy; Myopathy, reducing body, X-linked, early-onset, severe; Myopathy, reducing body, X-linked, childhood-onset. Last evaluated: 2021-08-05. Review status: criteria provided, single submitter. Criteria: ACMG Guidelines, 2015. Collection method: clinical testing. Allele origin: unknown.

NM_001159699.2(FHL1):c.652G>A (p.Ala218Thr)

Gene: FHL1 (four and a half LIM domains 1; plus strand). Cytogenetic location: Xq26.3.
Variant type: single nucleotide variant.
Coding change: c.652G>A on transcript NM_001159699.2 (MANE Select); coding-DNA position 652, G replaced by A.
Protein change: p.Ala218Thr; replaces alanine 218 with threonine.
Molecular consequence: missense variant. On other transcripts: non-coding transcript variant (1), intron variant (2).
Genome position (GRCh38, 1-based): chrX:136,208,557, G>A. VCF-style: chrX-136208557-G-A. GRCh37 (hg19) VCF-style: chrX-135290716-G-A.
Other names: c.604G>A (NM_001449.4, NM_001159702.2); c.604G>A, p.Ala202Thr (NM_001159700.2, NM_001159702.3, NM_001159704.1 and 8 more transcripts); c.691G>A, p.Ala231Thr (NM_001159701.2); c.501+596G>A (NM_001159703.2); c.549+596G>A (NM_001330659.2); short protein forms A231T, A218T, A202T.
Identifiers: ClinVar variation 1430943 (VCV001430943.10), dbSNP rs752366165, ClinGen allele CA10525045.